The following is an entry in ClinVar:

ClinVar aggregate classification (germline): Pathogenic (1 of 4 stars; one submission).

Submission:

GeneDx
Classification: Pathogenic. Last evaluated: 2015-05-01. Review status: criteria provided, single submitter. Criteria: GeneDx Variant Classification (06012015). Collection method: clinical testing. Allele origin: germline. Affected: yes.
Comment: Although the c.3265delA deletion in the FBN1 gene has not been reported to our knowledge, this variant causes a shift in reading frame starting at codon Threonine 1089, changing it to a Proline, and creating apremature stop codon at position 18 of the new reading frame, denoted p.Thr1089ProfsX18. This variant isexpected to result in either an abnormal, truncated protein product or loss of protein from this allele throughnonsense-mediated mRNA decay. Other frameshift variants in the FBN1 gene have been reported in HGMDin association with Marfan syndrome (Stenson P et al., 2014). Furthermore, the c.3265delA deletion was notobserved in approximately 6,500 individuals of European and African American ancestry in the NHLBI ExomeSequencing Project, indicating it is not a common benign variant in these populations.In summary, c.3265delA in the FBN1 gene is interpreted as a pathogenic variant.

NM_000138.5(FBN1):c.3265del (p.Thr1089fs)

Gene: FBN1 (fibrillin 1; minus strand). Cytogenetic location: 15q21.1.
Variant type: Deletion.
Coding change: c.3265del on transcript NM_000138.5 (MANE Select); coding-DNA position 3265, one base deleted (A; older notation c.3265delA).
Protein change: p.Thr1089fs; shifts the reading frame from threonine 1089.
Molecular consequence: frameshift variant.
Genome position (GRCh38, 1-based): chr15:48,488,185, T deleted on the plus strand (A on the coding strand, the reverse complement: FBN1 is on the minus strand). VCF-style (leftmost placement, unchanged base first): chr15-48488184-GT-G. GRCh37 (hg19) VCF-style: chr15-48780381-GT-G.
Other names: c.3265delA (NM_000138.4); short protein forms T1089fs.
Identifiers: ClinVar variation 418900 (VCV000418900.2), dbSNP rs1064793510, ClinGen allele CA16619962.